The following is an entry in ClinVar:

ClinVar aggregate classification (germline): Likely benign. Review status: criteria provided, multiple submitters, no conflicts (2 of 4 stars). 3 submissions from 3 submitters: Likely benign (3). Last evaluated 2026-03-01.

Allele frequency attached by ClinVar (database versions not stated): 1000 Genomes Project 30x 0.00125; 1000 Genomes Project 0.00140; ESP Exome Variant Server 0.00223; gnomAD 0.00243 and 0.00248; TOPMed 0.00278; gnomAD exomes 0.00281; ExAC 0.00322.
gnomAD v4.1: 4,953 of 1,604,972 alleles (0.31%); highest among the groups gnomAD compares: Non-Finnish European, 0.34%; 16 homozygotes.

Submissions (3):

CeGaT Center for Human Genetics Tuebingen
Classification: Likely benign. Last evaluated: 2026-03-01. Review status: criteria provided, single submitter. Criteria: CeGaT Center For Human Genetics Tuebingen Variant Classification Criteria Version 2. Collection method: clinical testing. Allele origin: germline. Affected: yes. Observed: 2 variant alleles.
Comment: MMEL1: BS2

Labcorp Genetics (formerly Invitae), Labcorp
Classification: Likely benign. Last evaluated: 2018-02-25. Review status: criteria provided, single submitter. Criteria: Invitae Variant Classification Sherloc (09022015). Collection method: clinical testing. Allele origin: germline.

Breakthrough Genomics
Classification: Likely benign. Review status: criteria provided, single submitter. Criteria: ACMG Guidelines, 2015. Collection method: not provided. Allele origin: germline. Inheritance: Unknown mechanism. Affected: yes.

NM_033467.4(MMEL1):c.2033T>C (p.Ile678Thr)

Gene: MMEL1 (membrane metalloendopeptidase like 1; minus strand). Cytogenetic location: 1p36.32.
Variant type: single nucleotide variant.
Coding change: c.2033T>C on transcript NM_033467.4 (MANE Select); coding-DNA position 2033, T replaced by C.
Protein change: p.Ile678Thr; replaces isoleucine 678 with threonine.
Molecular consequence: missense variant.
Genome position (GRCh38, 1-based): chr1:2,592,689, A>G on the plus strand (T>C on the coding strand, the complement: MMEL1 is on the minus strand). VCF-style: chr1-2592689-A-G. GRCh37 (hg19) VCF-style: chr1-2524128-A-G.
Other names: short protein forms I678T.
Identifiers: ClinVar variation 708734 (VCV000708734.10), dbSNP rs149776280, ClinGen allele CA542130.